The following is an entry in ClinVar:

ClinVar aggregate classification (germline): Conflicting classifications of pathogenicity. Review status: criteria provided, conflicting classifications (1 of 4 stars). 2 submissions from 2 submitters: Pathogenic (1); Uncertain significance (1). Last evaluated 2025-04-30.

Allele frequency attached by ClinVar (database versions not stated): gnomAD exomes below 0.00001; TOPMed below 0.00001.
gnomAD v4.1: 4 of 1,614,028 alleles (0.00025%); highest among the groups gnomAD compares: South Asian, 0.0022%; no homozygotes.

Submissions (2):

Women's Health and Genetics/Laboratory Corporation of America, LabCorp
Classification: Uncertain significance. Last evaluated: 2025-04-30. Review status: criteria provided, single submitter. Criteria: LabCorp Variant Classification Summary - May 2015. Collection method: clinical testing. Allele origin: germline.
Comment: Variant summary: ABCA12 c.3679G>A (p.Glu1227Lys) results in a conservative amino acid change in the encoded protein sequence. Four of five in-silico tools predict a damaging effect of the variant on protein function. The variant allele was found at a frequency of 4e-06 in 251298 control chromosomes (gnomAD). c.3679G>A has been observed in individuals affected with congenital ichthyosiform erythroderma and/or congenital ichthyosis (van Leersum_2020, Labcorp Genetics (formerly Invitae)). These data indicate that the variant may be associated with disease. To our knowledge, no experimental evidence demonstrating an impact on protein function has been reported. The following publication has been ascertained in the context of this evaluation (PMID: 31206590). ClinVar contains an entry for this variant (Variation ID: 1474933). Based on the evidence outlined above, the variant was classified as VUS-possibly pathogenic.

Labcorp Genetics (formerly Invitae), Labcorp
Classification: Pathogenic. Last evaluated: 2022-07-19. Review status: criteria provided, single submitter. Criteria: Invitae Variant Classification Sherloc (09022015). Collection method: clinical testing. Allele origin: germline.
Comment: This missense change has been observed in individual(s) with congenital ichthyosiform erythroderma and/or congenital ichthyosis (PMID: 31206590; Invitae). In at least one individual the data is consistent with being in trans (on the opposite chromosome) from a pathogenic variant. This variant is present in population databases (no rsID available, gnomAD 0.0009%). This sequence change replaces glutamic acid, which is acidic and polar, with lysine, which is basic and polar, at codon 1227 of the ABCA12 protein (p.Glu1227Lys). For these reasons, this variant has been classified as Pathogenic. Advanced modeling of protein sequence and biophysical properties (such as structural, functional, and spatial information, amino acid conservation, physicochemical variation, residue mobility, and thermodynamic stability) performed at Invitae indicates that this missense variant is expected to disrupt ABCA12 protein function. ClinVar contains an entry for this variant (Variation ID: 1474933).

Literature cited by the submitters: PubMed 31206590 (cited by Women's Health and Genetics/Laboratory Corporation of America, LabCorp and Labcorp Genetics (formerly Invitae), Labcorp).

NM_173076.3(ABCA12):c.3679G>A (p.Glu1227Lys)

Gene: ABCA12 (ATP binding cassette subfamily A member 12; minus strand). Cytogenetic location: 2q35.
Variant type: single nucleotide variant.
Coding change: c.3679G>A on transcript NM_173076.3 (MANE Select); coding-DNA position 3679, G replaced by A.
Protein change: p.Glu1227Lys; replaces glutamic acid 1227 with lysine.
Molecular consequence: missense variant. On other transcripts: non-coding transcript variant (1).
Genome position (GRCh38, 1-based): chr2:214,989,567, C>T on the plus strand (G>A on the coding strand, the complement: ABCA12 is on the minus strand). VCF-style: chr2-214989567-C-T. GRCh37 (hg19) VCF-style: chr2-215854291-C-T.
Other names: c.2725G>A, p.Glu909Lys (NM_015657.4); short protein forms E1227K, E909K.
Identifiers: ClinVar variation 1474933 (VCV001474933.8), dbSNP rs1286289900, ClinGen allele CA350467927.